The following is an entry in ClinVar:

ClinVar aggregate classification (germline): Uncertain significance (1 of 4 stars; one submission).

Submission:

GeneDx
Classification: Uncertain significance. Last evaluated: 2022-03-16. Review status: criteria provided, single submitter. Criteria: GeneDx Variant Classification Process June 2021. Collection method: clinical testing. Allele origin: germline. Affected: yes.
Comment: Not observed at significant frequency in large population cohorts (gnomAD); In silico analysis supports that this missense variant has a deleterious effect on protein structure/function; Has not been previously published as pathogenic or benign to our knowledge

NM_001112741.2(KCNC1):c.332A>G (p.Gln111Arg)

Gene: KCNC1 (potassium voltage-gated channel subfamily C member 1; plus strand). Cytogenetic location: 11p15.1.
Variant type: single nucleotide variant.
Coding change: c.332A>G on transcript NM_001112741.2 (MANE Select); coding-DNA position 332, A replaced by G.
Protein change: p.Gln111Arg; replaces glutamine 111 with arginine.
Molecular consequence: missense variant.
Genome position (GRCh38, 1-based): chr11:17,736,334, A>G. VCF-style: chr11-17736334-A-G. GRCh37 (hg19) VCF-style: chr11-17757881-A-G.
Other names: c.332A>G, p.Gln111Arg (NM_004976.4); short protein forms Q111R.
Identifiers: ClinVar variation 1706244 (VCV001706244.2), dbSNP rs2497736437, ClinGen allele CA379800505.